The following is an entry in ClinVar:

NM_032607.3(CREB3L3):c.1208G>C (p.Trp403Ser)

Genes: CREB3L3 (cAMP responsive element binding protein 3 like 3; plus strand), LOC125371455 (Sharpr-MPRA regulatory region 11650; plus strand). Cytogenetic location: 19p13.3.
Variant type: single nucleotide variant.
Coding change: c.1208G>C on transcript NM_032607.3 (MANE Select); coding-DNA position 1208, G replaced by C.
Protein change: p.Trp403Ser; replaces tryptophan 403 with serine.
Molecular consequence: missense variant. On other transcripts: 3 prime UTR variant (1).
Genome position (GRCh38, 1-based): chr19:4,171,791, G>C. VCF-style: chr19-4171791-G-C. GRCh37 (hg19) VCF-style: chr19-4171788-G-C.
Other names: c.1205G>C, p.Trp402Ser (NM_001271995.2); c.1202G>C, p.Trp401Ser (NM_001271996.2); c.*87G>C (NM_001271997.2); short protein forms W402S, W403S, W401S.
Identifiers: ClinVar variation 2623689 (VCV002623689.2), dbSNP rs776805567, ClinGen allele CA9091649.

ClinVar aggregate classification (germline): Uncertain significance (1 of 4 stars; one submission).

Submission:

Ambry Genetics
Classification: Uncertain significance. Last evaluated: 2023-09-13. Review status: criteria provided, single submitter. Criteria: Ambry Variant Classification Scheme 2023. Collection method: clinical testing. Allele origin: germline.
Comment: Does not currently meet published gene-disease clinical validity criteria Based on insufficient or conflicting evidence, the clinical significance of this alteration remains unclear.

Literature cited by the submitters: PubMed 28106320.